The following is an entry in ClinVar:

ClinVar aggregate classification (germline): Uncertain significance. Review status: criteria provided, multiple submitters, no conflicts (2 of 4 stars). 3 submissions from 3 submitters: Uncertain significance (3). Last evaluated 2023-11-03.

Conditions:
Hereditary cancer-predisposing syndrome. Also called: Hereditary Cancer Syndrome; Hereditary neoplastic syndrome; Neoplastic Syndromes, Hereditary; Tumor predisposition. Identifiers: Orphanet 140162, MedGen C0027672, MeSH D009386, MONDO:0015356.
Isolated focal cortical dysplasia type II (FCORD2). Also called: CORTICAL DYSPLASIA OF TAYLOR; Focal cortical dysplasia type II. Identifiers: Orphanet 268994, MedGen C1846385, MONDO:0011818, OMIM 607341, HP:0032051.

Submissions (3):

Baylor Genetics
Classification: Uncertain significance for Isolated focal cortical dysplasia type II. Last evaluated: 2023-11-03. Review status: criteria provided, single submitter. Criteria: ACMG Guidelines, 2015. Collection method: clinical testing. Allele origin: unknown.

Ambry Genetics
Classification: Uncertain significance for Hereditary cancer-predisposing syndrome. Last evaluated: 2023-03-06. Review status: criteria provided, single submitter. Criteria: Ambry Variant Classification Scheme 2023. Collection method: clinical testing. Allele origin: germline.
Comment: The p.E332G variant (also known as c.995A>G), located in coding exon 10 of the TSC2 gene, results from an A to G substitution at nucleotide position 995. The glutamic acid at codon 332 is replaced by glycine, an amino acid with similar properties. This amino acid position is conserved. In addition, the in silico prediction for this alteration is inconclusive. Since supporting evidence is limited at this time, the clinical significance of this alteration remains unclear.

GeneDx
Classification: Uncertain significance. Last evaluated: 2022-07-27. Review status: criteria provided, single submitter. Criteria: GeneDx Variant Classification Process June 2021. Collection method: clinical testing. Allele origin: germline. Affected: yes.
Comment: Not observed at significant frequency in large population cohorts (gnomAD); In silico analysis supports that this missense variant has a deleterious effect on protein structure/function; Has not been previously published as pathogenic or benign to our knowledge; This variant is associated with the following publications: (PMID: 18466115)

NM_000548.5(TSC2):c.995A>G (p.Glu332Gly)

Gene: TSC2 (TSC complex subunit 2; plus strand). Cytogenetic location: 16p13.3.
Variant type: single nucleotide variant.
Coding change: c.995A>G on transcript NM_000548.5 (MANE Select); coding-DNA position 995, A replaced by G.
Protein change: p.Glu332Gly; replaces glutamic acid 332 with glycine.
Molecular consequence: missense variant.
Genome position (GRCh38, 1-based): chr16:2,060,689, A>G. VCF-style: chr16-2060689-A-G. GRCh37 (hg19) VCF-style: chr16-2110690-A-G.
Other names: c.995A>G, p.Glu332Gly (NM_001077183.3, NM_001114382.3, NM_001363528.2 and 6 more transcripts); c.884A>G, p.Glu295Gly (NM_001318827.2, NM_001406670.1, NM_001406678.1); c.848A>G, p.Glu283Gly (NM_001318829.2, NM_001406675.1, NM_001406676.1 and 1 more transcripts); c.395A>G, p.Glu132Gly (NM_001318831.2, NM_001406680.1, NM_001406682.1 and 6 more transcripts); c.1028A>G, p.Glu343Gly (NM_001318832.2); c.1085A>G, p.Glu362Gly (NM_001406667.1, NM_001406668.1); c.983A>G, p.Glu328Gly (NM_001406671.1, NM_001406673.1); c.938A>G, p.Glu313Gly (NM_001406677.1); and 4 more; short protein forms E132G, E178G, E283G, E295G, E313G, E328G, E332G, E343G.
Identifiers: ClinVar variation 2413025 (VCV002413025.6), dbSNP rs2151135068, ClinGen allele CA394317294.
Genomic context (GRCh38, chr16:2,060,689, plus strand): 5'-AGCAGCTCTGACCCTGTGTGCTGGCCGGGCTCGTGTTCCAGGCCATGGCATGTCCGAACG[A>G]GGTGGTGTCCTATGAGATCGTCCTGTCCATCACCAGGCTCATCAAGAAGTATAGGAAGGA-3'
Protein context (NP_000539.2, residues 322-342): SFYQAMACPN[Glu332Gly]VVSYEIVLSI